The following is an entry in ClinVar:

NM_004656.4(BAP1):c.517dup (p.Tyr173fs)

Gene: BAP1 (BRCA1 associated deubiquitinase 1; minus strand). Cytogenetic location: 3p21.1.
Variant type: Duplication.
Coding change: c.517dup on transcript NM_004656.4 (MANE Select); coding-DNA position 517, one base duplicated (T; older notation c.517dupT).
Protein change: p.Tyr173fs; shifts the reading frame from tyrosine 173.
Molecular consequence: frameshift variant.
Genome position (GRCh38, 1-based): chr3:52,407,237, A duplicated on the plus strand (T on the coding strand, the reverse complement: BAP1 is on the minus strand). VCF-style (leftmost placement, unchanged base first): chr3-52407236-T-TA. GRCh37 (hg19) VCF-style: chr3-52441252-T-TA.
Other names: c.517dup (NM_004656.3); short protein forms Y173fs.
Identifiers: ClinVar variation 412449 (VCV000412449.12), dbSNP rs1553645806, ClinGen allele CA16611355.
Genomic context (GRCh38, chr3:52,407,236, plus strand): 5'-TGGTCAATGGGGTAGACCTTCAGCCCATCCAGCTCAAAGAGCCGGCCTGTGATAGGCACA[T>TA]AGCTGACAAAGTGGAACGCCTCCATGGTCCGCACTGCACTAAGGCCATTCTGCTTCTCAG-3'

ClinVar aggregate classification (germline): Pathogenic. Review status: criteria provided, multiple submitters, no conflicts (2 of 4 stars). 3 submissions from 3 submitters: Pathogenic (3). Last evaluated 2024-04-01.

Conditions:
BAP1-related tumor predisposition syndrome (TPDS1). Also called: BAP1 tumor predisposition syndrome; Tumor susceptibility linked to germline BAP1 mutations; TUMOR PREDISPOSITION SYNDROME 1; COMMON Syndrome. Identifiers: Orphanet 289539, MedGen C3280492, MONDO:0013692, OMIM 614327.
Hereditary cancer-predisposing syndrome. Also called: Neoplastic Syndromes, Hereditary; Tumor predisposition; Hereditary Cancer Syndrome; Hereditary neoplastic syndrome. Identifiers: Orphanet 140162, MedGen C0027672, MeSH D009386, MONDO:0015356.

Allele frequency attached by ClinVar (database versions not stated): gnomAD exomes below 0.00001.

Submissions (3):

Ambry Genetics
Classification: Pathogenic for Hereditary cancer-predisposing syndrome. Last evaluated: 2024-04-01. Review status: criteria provided, single submitter. Criteria: Ambry Variant Classification Scheme 2023. Collection method: clinical testing. Allele origin: germline.
Comment: The c.517dupT pathogenic mutation, located in coding exon 7 of the BAP1 gene, results from a duplication of T at nucleotide position 517, causing a translational frameshift with a predicted alternate stop codon (p.Y173Lfs*10). This mutation, also designated as c.517insT in published literature, has been reported in individuals with personal and family histories of BAP1-related tumors, including a peritoneal malignant mesothelioma demonstrating BAP1 protein loss by IHC (Panou V et al. J Clin Oncol, 2018 10;36:2863-2871; Walpole S et al. J Natl Cancer Inst, 2018 12;110:1328-1341). This variant was not reported in population-based cohorts in the Genome Aggregation Database (gnomAD). In addition to the clinical data presented in the literature, this alteration is expected to result in loss of function by premature protein truncation or nonsense-mediated mRNA decay. As such, this alteration is interpreted as a disease-causing mutation.

Myriad Genetics, Inc.
Classification: Pathogenic for BAP1-related tumor predisposition syndrome. Last evaluated: 2023-12-06. Review status: criteria provided, single submitter. Criteria: Myriad Autosomal Dominant, Autosomal Recessive and X-Linked Classification Criteria (2023). Collection method: clinical testing. Allele origin: unknown.
Comment: This variant is considered pathogenic. This variant creates a frameshift predicted to result in premature protein truncation.

Labcorp Genetics (formerly Invitae), Labcorp
Classification: Pathogenic for BAP1-related tumor predisposition syndrome. Last evaluated: 2019-02-24. Review status: criteria provided, single submitter. Criteria: Invitae Variant Classification Sherloc (09022015). Collection method: clinical testing. Allele origin: germline.
Comment: Loss-of-function variants in BAP1 are known to be pathogenic (PMID: 21874000, 23684012). This variant has not been reported in the literature in individuals with BAP1-related conditions. This variant is not present in population databases (ExAC no frequency). This sequence change creates a premature translational stop signal (p.Tyr173Leufs*10) in the BAP1 gene. It is expected to result in an absent or disrupted protein product. For these reasons, this variant has been classified as Pathogenic.

Literature cited by the submitters: PubMed 30113886 (cited by Ambry Genetics); PubMed 30517737 (cited by Ambry Genetics); PubMed 21874000 (cited by Labcorp Genetics (formerly Invitae), Labcorp); PubMed 23684012 (cited by Labcorp Genetics (formerly Invitae), Labcorp).